The following is an entry in ClinVar:

ClinVar aggregate classification (germline): Uncertain significance (1 of 4 stars; one submission).

Allele frequency attached by ClinVar (database versions not stated): TOPMed below 0.00001.

Submission:

Labcorp Genetics (formerly Invitae), Labcorp
Classification: Uncertain significance. Last evaluated: 2024-11-04. Review status: criteria provided, single submitter. Criteria: Invitae Variant Classification Sherloc (09022015). Collection method: clinical testing. Allele origin: germline.
Comment: This sequence change replaces serine, which is neutral and polar, with cysteine, which is neutral and slightly polar, at codon 102 of the CSF2RB protein (p.Ser102Cys). This variant is not present in population databases (gnomAD no frequency). This variant has not been reported in the literature in individuals affected with CSF2RB-related conditions. ClinVar contains an entry for this variant (Variation ID: 2871431). Invitae Evidence Modeling of protein sequence and biophysical properties (such as structural, functional, and spatial information, amino acid conservation, physicochemical variation, residue mobility, and thermodynamic stability) indicates that this missense variant is not expected to disrupt CSF2RB protein function with a negative predictive value of 80%. In summary, the available evidence is currently insufficient to determine the role of this variant in disease. Therefore, it has been classified as a Variant of Uncertain Significance.

NM_000395.3(CSF2RB):c.304A>T (p.Ser102Cys)

Genes: CSF2RB (colony stimulating factor 2 receptor subunit beta; plus strand), LOC126863140 (BRD4-independent group 4 enhancer GRCh37_chr22:37321546-37322745; plus strand). Cytogenetic location: 22q12.3.
Variant type: single nucleotide variant.
Coding change: c.304A>T on transcript NM_000395.3 (MANE Select); coding-DNA position 304, A replaced by T.
Protein change: p.Ser102Cys; replaces serine 102 with cysteine.
Molecular consequence: missense variant.
Genome position (GRCh38, 1-based): chr22:36,926,090, A>T. VCF-style: chr22-36926090-A-T. GRCh37 (hg19) VCF-style: chr22-37322132-A-T.
Other names: c.304A>T, p.Ser102Cys (NM_001410827.1); short protein forms S102C.
Identifiers: ClinVar variation 2871431 (VCV002871431.3), dbSNP rs1051856789, ClinGen allele CA323988910.